The following is an entry in ClinVar:

ClinVar aggregate classification (germline): Pathogenic (1 of 4 stars; one submission).

Conditions:
Ataxia-telangiectasia syndrome (AT). Also called: ATAXIA-TELANGIECTASIA, COMPLEMENTATION GROUP A; ATAXIA-TELANGIECTASIA, FRESNO VARIANT; Ataxia-telangiectasia; Ataxia-telangiectasia, complementation group D; AT, COMPLEMENTATION GROUP C; Ataxia-telangiectasia, complementation group E. Identifiers: Orphanet 100, MedGen C0004135, MONDO:0008840, OMIM 208900.

Submission:

Labcorp Genetics (formerly Invitae), Labcorp
Classification: Pathogenic for Ataxia-telangiectasia syndrome. Last evaluated: 2019-03-20. Review status: criteria provided, single submitter. Criteria: Invitae Variant Classification Sherloc (09022015). Collection method: clinical testing. Allele origin: germline.
Comment: This variant has not been reported in the literature in individuals with ATM-related conditions. This variant is not present in population databases (ExAC no frequency). This sequence change creates a premature translational stop signal (p.Arg2459Leufs*17) in the ATM gene. It is expected to result in an absent or disrupted protein product. Loss-of-function variants in ATM are known to be pathogenic (PMID: 23807571, 25614872). For these reasons, this variant has been classified as Pathogenic.

Literature cited by the submitters: PubMed 23807571; PubMed 25614872.

NM_000051.4(ATM):c.7376del (p.Arg2459fs)

Genes: ATM (ATM serine/threonine kinase; plus strand), C11orf65 (chromosome 11 open reading frame 65; minus strand). Cytogenetic location: 11q22.3.
Variant type: Deletion.
Coding change: c.7376del on transcript NM_000051.4 (MANE Select); coding-DNA position 7376, one base deleted (G; older notation c.7376delG).
Protein change: p.Arg2459fs; shifts the reading frame from arginine 2459.
Molecular consequence: frameshift variant. On other transcripts: intron variant (2).
Genome position (GRCh38, 1-based): chr11:108,330,282, G deleted. VCF-style (leftmost placement, unchanged base first): chr11-108330281-CG-C. GRCh37 (hg19) VCF-style: chr11-108201008-CG-C.
Other names: c.7376delG, p.Arg2459Leufs (NM_000051.3); c.7376del, p.Arg2459fs (NM_001351834.2); c.641-21211del (NM_001330368.2); c.*38+4938del (NM_001351110.2); short protein forms R2459fs.
Identifiers: ClinVar variation 858310 (VCV000858310.8), dbSNP rs2086120321, ClinGen allele CA916080509.
Genomic context (GRCh38, chr11:108,330,281, plus strand): 5'-GTAAAGGTTCAGCGAGAGCTGGAGTTGGATGAATTAGCCCTGCGTGCACTGAAAGAGGAT[CG>C]TAAACGCTTCTTATGTAAAGCAGTTGAAAATTATATCAACTGCTTATTAAGTGGAGAAGA-3'